The following is an entry in ClinVar:

NM_001105206.3(LAMA4):c.5339_5359del (p.Thr1780_Ser1786del)

Gene: LAMA4 (laminin subunit alpha 4; minus strand). Cytogenetic location: 6q21.
Variant type: Deletion.
Coding change: c.5339_5359del on transcript NM_001105206.3 (MANE Select); coding-DNA positions 5339 to 5359, 21 bases deleted (CACCACGCTTGGCCCCCAGCA).
Protein change: p.Thr1780_Ser1786del.
Molecular consequence: inframe deletion.
Genome position (GRCh38, 1-based): chr6:112,109,550-112,109,570, TGCTGGGGGCCAAGCGTGGTG deleted on the plus strand (CACCACGCTTGGCCCCCAGCA on the coding strand, the reverse complement: LAMA4 is on the minus strand); deleting any 21 consecutive bases within chr6:112,109,550-112,109,571 gives the same sequence; the c. name uses the placement nearest the transcript's 3' end. VCF-style (leftmost placement, unchanged base first): chr6-112109549-TTGCTGGGGGCCAAGCGTGGTG-T. GRCh37 (hg19) VCF-style: chr6-112430752-TTGCTGGGGGCCAAGCGTGGTG-T.
Other names: c.5318_5338del, p.Thr1773_Ser1779del (NM_001105207.3, NM_002290.5).
Identifiers: ClinVar variation 2787247 (VCV002787247.3), dbSNP rs782298904, ClinGen allele CA3964730.

ClinVar aggregate classification (germline): Uncertain significance (1 of 4 stars; one submission).

Conditions:
Dilated cardiomyopathy 1JJ (CMD1JJ). Identifiers: Orphanet 154, MedGen C3808935, MONDO:0014095, OMIM 615235.

Submission:

Labcorp Genetics (formerly Invitae), Labcorp
Classification: Uncertain significance for Dilated cardiomyopathy 1JJ. Last evaluated: 2025-09-28. Review status: criteria provided, single submitter. Criteria: Invitae Variant Classification Sherloc (09022015). Collection method: clinical testing. Allele origin: germline.
Comment: This variant, c.5318_5338del, results in the deletion of 7 amino acid(s) of the LAMA4 protein (p.Thr1773_Ser1779del), but otherwise preserves the integrity of the reading frame. This variant is present in population databases (rs782298904, gnomAD 0.0009%). This variant has not been reported in the literature in individuals affected with LAMA4-related conditions. ClinVar contains an entry for this variant (Variation ID: 2787247). Experimental studies and prediction algorithms are not available or were not evaluated, and the functional significance of this variant is currently unknown. In summary, the available evidence is currently insufficient to determine the role of this variant in disease. Therefore, it has been classified as a Variant of Uncertain Significance.